The following is an entry in ClinVar:

ClinVar aggregate classification (germline): Uncertain significance (1 of 4 stars; one submission).

Conditions:
Inborn genetic diseases. Identifiers: MedGen C0950123, MeSH D030342.

Submission:

Ambry Genetics
Classification: Uncertain significance for Inborn genetic diseases. Last evaluated: 2026-03-31. Review status: criteria provided, single submitter. Criteria: Ambry Variant Classification Scheme 2023. Collection method: clinical testing. Allele origin: germline.
Comment: The c.1677G>C (p.Q559H) alteration is located in exon 12 (coding exon 12) of the GRIN1 gene. This alteration results from a G to C substitution at nucleotide position 1677, causing the glutamine (Q) at amino acid position 559 to be replaced by a histidine (H). This variant was not reported in population-based cohorts in the Genome Aggregation Database (gnomAD). Other variant(s) at the same codon, c.1676A>G (p.Q559R), have been identified in individual(s) with features consistent with autosomal dominant GRIN1-related neurodevelopmental disorder (Tan, 2017). This amino acid position is highly conserved in available vertebrate species. This missense variant is located in a region that has a low rate of benign missense variation (Lek, 2016; Firth, 2009). The in silico prediction for this alteration is inconclusive. Based on insufficient or conflicting evidence, the clinical significance of this alteration remains unclear.

Literature cited by the submitters: PubMed 28759686.

NM_007327.4(GRIN1):c.1677G>C (p.Gln559His)

Gene: GRIN1 (glutamate ionotropic receptor NMDA type subunit 1; plus strand). Cytogenetic location: 9q34.3.
Variant type: single nucleotide variant.
Coding change: c.1677G>C on transcript NM_007327.4 (MANE Select); coding-DNA position 1677, G replaced by C.
Protein change: p.Gln559His; replaces glutamine 559 with histidine.
Molecular consequence: missense variant.
Genome position (GRCh38, 1-based): chr9:137,162,216, G>C. VCF-style: chr9-137162216-G-C. GRCh37 (hg19) VCF-style: chr9-140056668-G-C.
Other names: c.1677G>C, p.Gln559His (NM_000832.7, NM_021569.4); c.1740G>C, p.Gln580His (NM_001185090.2, NM_001185091.2, NM_001437330.1 and 1 more transcripts); short protein forms Q559H, Q580H.
Identifiers: ClinVar variation 4858214 (VCV004858214.1).